The following is an entry in ClinVar:

ClinVar aggregate classification (germline): Uncertain significance (1 of 4 stars; one submission).

Allele frequency attached by ClinVar (database versions not stated): gnomAD exomes 0.00002 and 0.00004; ExAC 0.00007.

Submission:

Labcorp Genetics (formerly Invitae), Labcorp
Classification: Uncertain significance. Last evaluated: 2025-01-23. Review status: criteria provided, single submitter. Criteria: Invitae Variant Classification Sherloc (09022015). Collection method: clinical testing. Allele origin: germline.
Comment: This sequence change replaces arginine, which is basic and polar, with glutamine, which is neutral and polar, at codon 157 of the ERBB2 protein (p.Arg157Gln). This variant is present in population databases (rs745921471, gnomAD 0.01%). This variant has not been reported in the literature in individuals affected with ERBB2-related conditions. ClinVar contains an entry for this variant (Variation ID: 836143). Invitae Evidence Modeling of protein sequence and biophysical properties (such as structural, functional, and spatial information, amino acid conservation, physicochemical variation, residue mobility, and thermodynamic stability) indicates that this missense variant is not expected to disrupt ERBB2 protein function with a negative predictive value of 80%. Algorithms developed to predict the effect of sequence changes on RNA splicing suggest that this variant may create or strengthen a splice site. In summary, the available evidence is currently insufficient to determine the role of this variant in disease. Therefore, it has been classified as a Variant of Uncertain Significance.

NM_004448.4(ERBB2):c.470G>A (p.Arg157Gln)

Gene: ERBB2 (erb-b2 receptor tyrosine kinase 2; plus strand). Cytogenetic location: 17q12.
Variant type: single nucleotide variant.
Coding change: c.470G>A on transcript NM_004448.4 (MANE Select); coding-DNA position 470, G replaced by A.
Protein change: p.Arg157Gln; replaces arginine 157 with glutamine.
Molecular consequence: missense variant. On other transcripts: non-coding transcript variant (1), intron variant (2).
Genome position (GRCh38, 1-based): chr17:39,709,348, G>A. VCF-style: chr17-39709348-G-A. GRCh37 (hg19) VCF-style: chr17-37865601-G-A.
Other names: c.380G>A, p.Arg127Gln (NM_001005862.3, NM_001289938.2, NM_001382782.1 and 1 more transcripts); c.425G>A, p.Arg142Gln (NM_001289936.2); c.470G>A, p.Arg157Gln (NM_001289937.2, NM_001382784.1, NM_001382785.1 and 17 more transcripts); c.545G>A, p.Arg182Gln (NM_001382787.1); c.461G>A, p.Arg154Gln (NM_001382791.1); c.440-510G>A (NM_001382799.1); c.74-2580G>A (NM_001382804.1); short protein forms R142Q, R157Q, R127Q, R154Q, R182Q.
Identifiers: ClinVar variation 836143 (VCV000836143.9), dbSNP rs745921471, ClinGen allele CA8533637.